The following is an entry in ClinVar:

ClinVar aggregate classification (germline): Uncertain significance (1 of 4 stars; one submission).

Submission:

GeneDx
Classification: Uncertain significance. Last evaluated: 2023-11-17. Review status: criteria provided, single submitter. Criteria: GeneDx Variant Classification Process June 2021. Collection method: clinical testing. Allele origin: germline. Affected: yes.
Comment: Not observed at significant frequency in large population cohorts (gnomAD); In silico analysis supports that this missense variant has a deleterious effect on protein structure/function; Has not been previously published as pathogenic or benign to our knowledge

NM_004539.4(NARS1):c.1058G>C (p.Arg353Pro)

Gene: NARS1 (asparaginyl-tRNA synthetase 1; minus strand). Cytogenetic location: 18q21.31.
Variant type: single nucleotide variant.
Coding change: c.1058G>C on transcript NM_004539.4 (MANE Select); coding-DNA position 1058, G replaced by C.
Protein change: p.Arg353Pro; replaces arginine 353 with proline.
Molecular consequence: missense variant.
Genome position (GRCh38, 1-based): chr18:57,606,695, C>G on the plus strand (G>C on the coding strand, the complement: NARS1 is on the minus strand). VCF-style: chr18-57606695-C-G. GRCh37 (hg19) VCF-style: chr18-55273927-C-G.
Other names: short protein forms R353P.
Identifiers: ClinVar variation 3342322 (VCV003342322.1).